The following is an entry in ClinVar:

NM_052963.3(TOP1MT):c.1108T>C (p.Cys370Arg)

Gene: TOP1MT (DNA topoisomerase I mitochondrial; minus strand). Cytogenetic location: 8q24.3.
Variant type: single nucleotide variant.
Coding change: c.1108T>C on transcript NM_052963.3 (MANE Select); coding-DNA position 1108, T replaced by C.
Protein change: p.Cys370Arg; replaces cysteine 370 with arginine.
Molecular consequence: missense variant.
Genome position (GRCh38, 1-based): chr8:143,321,239, A>G on the plus strand (T>C on the coding strand, the complement: TOP1MT is on the minus strand). VCF-style: chr8-143321239-A-G. GRCh37 (hg19) VCF-style: chr8-144403409-A-G.
Other names: c.814T>C, p.Cys272Arg (NM_001258446.1, NM_001258447.1); short protein forms C272R, C370R.
Identifiers: ClinVar variation 3972264 (VCV003972264.2).
Genomic context (GRCh38, chr8:143,321,239, plus strand): 5'-CAGCTGGCGCGAGGGCACTCACCGGCTTCTCCACCGGCACTCTGTTGTAGTAGCGGATGC[A>G]GTCCTTCCCCAGGAAGTCAAATTCCACCACGTGTTGGCAGCCATCGGCCTCCGGGTGCAG-3'
Protein context (NP_443195.1, residues 360-380): VVEFDFLGKD[Cys370Arg]IRYYNRVPVE

ClinVar aggregate classification (germline): Uncertain significance. Review status: criteria provided, multiple submitters, no conflicts (2 of 4 stars). 2 submissions from 2 submitters: Uncertain significance (2). Last evaluated 2025-08-15.

gnomAD v4.1: 47 of 1,611,578 alleles (0.0029%); highest among the groups gnomAD compares: Non-Finnish European, 0.0037%; no homozygotes.

Submissions (2):

Labcorp Genetics (formerly Invitae), Labcorp
Classification: Uncertain significance. Last evaluated: 2025-08-15. Review status: criteria provided, single submitter. Criteria: Invitae Variant Classification Sherloc (09022015). Collection method: clinical testing. Allele origin: germline.
Comment: This sequence change replaces cysteine, which is neutral and slightly polar, with arginine, which is basic and polar, at codon 370 of the TOP1MT protein (p.Cys370Arg). This variant is present in population databases (rs771336624, gnomAD 0.006%). This variant has not been reported in the literature in individuals affected with TOP1MT-related conditions. ClinVar contains an entry for this variant (Variation ID: 3972264). Invitae Evidence Modeling of protein sequence and biophysical properties (such as structural, functional, and spatial information, amino acid conservation, physicochemical variation, residue mobility, and thermodynamic stability) indicates that this missense variant is expected to disrupt TOP1MT protein function with a positive predictive value of 80%. In summary, the available evidence is currently insufficient to determine the role of this variant in disease. Therefore, it has been classified as a Variant of Uncertain Significance.

Ambry Genetics
Classification: Uncertain significance. Last evaluated: 2025-04-03. Review status: criteria provided, single submitter. Criteria: Ambry Variant Classification Scheme 2023. Collection method: clinical testing. Allele origin: germline.